The following is an entry in ClinVar:

ClinVar aggregate classification (germline): Benign/Likely benign. Review status: criteria provided, multiple submitters, no conflicts (2 of 4 stars). 2 submissions from 2 submitters: Benign (1); Likely benign (1). Last evaluated 2026-01-12.

Allele frequency attached by ClinVar (database versions not stated): 1000 Genomes Project 0.00040; 1000 Genomes Project 30x 0.00047; gnomAD 0.00205 and 0.00213; TOPMed 0.00219; ESP Exome Variant Server 0.00223; gnomAD exomes 0.00241; ExAC 0.00273.
gnomAD v4.1: 4,903 of 1,614,182 alleles (0.3%); highest among the groups gnomAD compares: Non-Finnish European, 0.38%; 14 homozygotes.

Submissions (2):

Labcorp Genetics (formerly Invitae), Labcorp
Classification: Benign. Last evaluated: 2026-01-12. Review status: criteria provided, single submitter. Criteria: Invitae Variant Classification Sherloc (09022015). Collection method: clinical testing. Allele origin: germline.

CeGaT Center for Human Genetics Tuebingen
Classification: Likely benign. Last evaluated: 2023-03-01. Review status: criteria provided, single submitter. Criteria: CeGaT Center For Human Genetics Tuebingen Variant Classification Criteria Version 2. Collection method: clinical testing. Allele origin: germline. Affected: yes. Observed: 1 variant allele.
Comment: CEP97: BP4, BP7

NM_024548.4(CEP97):c.840A>T (p.Leu280=)

Gene: CEP97 (centrosomal protein 97; plus strand). Cytogenetic location: 3q12.3.
Variant type: single nucleotide variant.
Coding change: c.840A>T on transcript NM_024548.4 (MANE Select); coding-DNA position 840, A replaced by T.
Protein change: p.Leu280=; no amino-acid change (leucine 280 retained).
Molecular consequence: synonymous variant.
Genome position (GRCh38, 1-based): chr3:101,755,541, A>T. VCF-style: chr3-101755541-A-T. GRCh37 (hg19) VCF-style: chr3-101474385-A-T.
Other names: c.840A>T, p.Leu280= (NM_001303401.2).
Identifiers: ClinVar variation 1601501 (VCV001601501.32), dbSNP rs2926543, ClinGen allele CA2522006.